The following is an entry in ClinVar:

NM_004370.6(COL12A1):c.4811A>C (p.Glu1604Ala)

Gene: COL12A1 (collagen type XII alpha 1 chain; minus strand). Cytogenetic location: 6q13.
Variant type: single nucleotide variant.
Coding change: c.4811A>C on transcript NM_004370.6 (MANE Select); coding-DNA position 4811, A replaced by C.
Protein change: p.Glu1604Ala; replaces glutamic acid 1604 with alanine.
Molecular consequence: missense variant.
Genome position (GRCh38, 1-based): chr6:75,143,268, T>G on the plus strand (A>C on the coding strand, the complement: COL12A1 is on the minus strand). VCF-style: chr6-75143268-T-G. GRCh37 (hg19) VCF-style: chr6-75852984-T-G.
Other names: c.4811A>C, p.Glu1604Ala (NM_001424113.1, NM_001424114.1); c.4538A>C, p.Glu1513Ala (NM_001424115.1); c.1319A>C, p.Glu440Ala (NM_001424116.1, NM_080645.3); short protein forms E1513A, E1604A, E440A.
Identifiers: ClinVar variation 3750483 (VCV003750483.2).

ClinVar aggregate classification (germline): Uncertain significance (1 of 4 stars; one submission).

Conditions:
Ullrich congenital muscular dystrophy 2 (UCMD2). Identifiers: Orphanet 75840, MedGen C4225314, MONDO:0014654, OMIM 616470.
Bethlem myopathy 2 (BTHLM2). Identifiers: Orphanet 536516, Orphanet 610, MedGen C4225313, MONDO:0034022, OMIM 616471.

Submission:

Labcorp Genetics (formerly Invitae), Labcorp
Classification: Uncertain significance for Bethlem myopathy 2; Ullrich congenital muscular dystrophy 2. Last evaluated: 2024-06-09. Review status: criteria provided, single submitter. Criteria: Invitae Variant Classification Sherloc (09022015). Collection method: clinical testing. Allele origin: germline.
Comment: This sequence change replaces glutamic acid, which is acidic and polar, with alanine, which is neutral and non-polar, at codon 1604 of the COL12A1 protein (p.Glu1604Ala). This variant is not present in population databases (gnomAD no frequency). This variant has not been reported in the literature in individuals affected with COL12A1-related conditions. Advanced modeling of protein sequence and biophysical properties (such as structural, functional, and spatial information, amino acid conservation, physicochemical variation, residue mobility, and thermodynamic stability) performed at Invitae indicates that this missense variant is not expected to disrupt COL12A1 protein function with a negative predictive value of 80%. In summary, the available evidence is currently insufficient to determine the role of this variant in disease. Therefore, it has been classified as a Variant of Uncertain Significance.